The following continues an entry in ClinVar:

NM_000051.4(ATM):c.67C>T (p.Arg23Ter)

Gene: ATM. ClinVar aggregate classification (germline): Pathogenic. Pathogenic (1). ClinVar aggregate classification (oncogenicity): Likely oncogenic.

Submissions 11 to 21 of 21:

Baylor Genetics
Classification: Pathogenic for Familial cancer of breast. Last evaluated: 2023-12-13. Review status: criteria provided, single submitter. Criteria: ACMG Guidelines, 2015. Collection method: clinical testing. Allele origin: unknown. Not counted in ClinVar's aggregate classification.

GeneDx
Classification: Pathogenic. Last evaluated: 2023-12-04. Review status: criteria provided, single submitter. Criteria: GeneDx Variant Classification Process June 2021. Collection method: clinical testing. Allele origin: germline. Affected: yes. Not counted in ClinVar's aggregate classification.
Comment: Nonsense variant predicted to result in protein truncation or nonsense mediated decay in a gene for which loss-of-function is a known mechanism of disease; Identified in the heterozygous state in individuals with medulloblastoma, lymphoma, prostate, or stomach cancers (PMID: 11756177, 26506520, 29753700, 31214711); Not observed at significant frequency in large population cohorts (gnomAD); This variant is associated with the following publications: (PMID: 27023146, 11756177, 26506520, 27304073, 26000489, 29753700, 29625052, 31214711, 32888943, 35729272, 26896183, 35273153, 29922827, 34628594, 33547824, 35260754, 36439585, 36451132, 34284872, 36790564, 33309985, 25614872, 23807571)

Blueprint Genetics
Classification: Pathogenic for ATM-related disorders. Last evaluated: 2023-08-24. Review status: criteria provided, single submitter. Criteria: ACMG Guidelines, 2015. Collection method: clinical testing. Allele origin: germline. Affected: yes. Observed: 5 variant alleles. Not counted in ClinVar's aggregate classification.

3billion
Classification: Pathogenic for Ataxia-telangiectasia syndrome. Last evaluated: 2023-02-23. Review status: criteria provided, single submitter. Criteria: ACMG Guidelines, 2015. Collection method: clinical testing. Allele origin: unknown. Affected: yes. Not counted in ClinVar's aggregate classification.
Comment: The variant is observed at an extremely low frequency in the gnomAD v2.1.1 dataset (total allele frequency: 0.002%). This variant was predicted to result in a loss or disruption of normal protein function through nonsense-mediated decay (NMD) or protein truncation. Multiple pathogenic variants are reported downstream of the variant. The variant has been reported at least twice as pathogenic with clinical assertions and evidence for the classification (ClinVar ID: VCV000232248 / PMID: 11756177). Therefore, this variant is classified as Pathogenic according to the recommendation of ACMG/AMP guideline.

Centre for Mendelian Genomics, University Medical Centre Ljubljana
Classification: Pathogenic for Familial cancer of breast. Last evaluated: 2022-12-09. Review status: criteria provided, single submitter. Criteria: ACMG Guidelines, 2015. Collection method: research. Allele origin: germline. Affected: no. Not counted in ClinVar's aggregate classification.
Comment: PVS1, PM3_VSTR

Women's Health and Genetics/Laboratory Corporation of America, LabCorp
Classification: Pathogenic for Ataxia-telangiectasia syndrome. Last evaluated: 2022-02-11. Review status: criteria provided, single submitter. Criteria: LabCorp Variant Classification Summary - May 2015. Collection method: clinical testing. Allele origin: germline. Not counted in ClinVar's aggregate classification.
Comment: Variant summary: ATM c.67C>T (p.Arg23X) results in a premature termination codon, predicted to cause a truncation of the encoded protein or absence of the protein due to nonsense mediated decay, which are commonly known mechanisms for disease. Truncations downstream of this position have been classified as pathogenic by our laboratory. The variant allele was found at a frequency of 2e-05 in 251364 control chromosomes (gnomAD). c.67C>T has been reported in the literature in homozygous and compound heterozygous individuals affected with Ataxia-Telangiectasia (examples: Amirfar_2021 and Jackson_2016). These data indicate that the variant is very likely associated with disease. Jackson_2016 demonstrated the homozygous patient's lymphoblastoid cell lines showing ATM protein was present, kinase activity was absent and radiosensitivity was high. Five clinical diagnostic laboratories have submitted clinical-significance assessments for this variant to ClinVar after 2014 and all classified the variant as pathogenic. Based on the evidence outlined above, the variant was classified as pathogenic.

Sema4
Classification: Pathogenic for Hereditary cancer-predisposing syndrome. Last evaluated: 2020-12-23. Review status: criteria provided, single submitter. Criteria: Sema4 Curation Guidelines. Collection method: curation. Allele origin: germline. Not counted in ClinVar's aggregate classification.
Comment: The ATM c.67C>T (p.R23X) has been reported in individuals with mantle cell lymphoma, gastric cancer and medulloblastoma. (PMID: 11756177, 26506520, 29753700). This nonsense variant creates a premature stop codon at residue 23 of the ATM protein. At this location, this is predicted to cause nonsense-mediated decay and result in an absent protein (loss of function). This variant was observed in 3/30608 chromosomes in the South Asian population, according to the Genome Aggregation Database (PMID: 27535533). Based on the current evidence available, this variant is interpreted as pathogenic.

Department of Molecular Diagnostics, Institute of Oncology Ljubljana
Classification: Pathogenic for Familial cancer of breast. Last evaluated: 2020-04-02. Review status: criteria provided, single submitter. Criteria: ACMG Guidelines, 2015. Collection method: clinical testing. Allele origin: germline. Affected: yes. Not counted in ClinVar's aggregate classification.

Department of Pathology and Laboratory Medicine, Sinai Health System
Classification: Pathogenic for ATM-related cancer predisposition. Last evaluated: 2020-02-13. Review status: criteria provided, single submitter. Criteria: ACMG Guidelines, 2015. Collection method: clinical testing. Allele origin: germline. Affected: no. Not counted in ClinVar's aggregate classification.

Clinical Genetics Laboratory, Department of Pathology, Netherlands Cancer Institute
Classification: Pathogenic. Review status: no assertion criteria provided. Collection method: clinical testing. Allele origin: germline. Affected: yes. Study: VKGL Data-share Consensus. Not counted in ClinVar's aggregate classification.

Diagnostic Laboratory, Department of Genetics, University Medical Center Groningen
Classification: Pathogenic. Review status: no assertion criteria provided. Collection method: clinical testing. Allele origin: germline. Affected: yes. Study: VKGL Data-share Consensus. Not counted in ClinVar's aggregate classification.

Literature cited by the submitters: PubMed 23807571 (cited by Labcorp Genetics (formerly Invitae), Labcorp); PubMed 25614872 (cited by Labcorp Genetics (formerly Invitae), Labcorp); PubMed 11756177 (cited by 6 submitters); PubMed 26506520 (cited by 6 submitters); PubMed 29753700 (cited by 3 submitters); PubMed 33547824 (cited by 4 submitters); PubMed 35260754 (cited by Natera, Inc.); PubMed 26896183 (cited by 3 submitters); PubMed 31214711 (cited by Color Diagnostics, LLC DBA Color Health).